The following is an entry in ClinVar:

ClinVar aggregate classification (germline): Likely pathogenic. Review status: reviewed by expert panel (3 of 4 stars). 3 submissions from 3 submitters: Likely pathogenic (1). 2 of the submissions do not count toward it. Last evaluated 2026-06-04.

Conditions:
Bernard Soulier syndrome (BSS). Also called: Platelet Glycoprotein 1b, Deficiency of; BLEEDING DISORDER, PLATELET-TYPE, 1; Giant platelet syndrome; Hemorrhagiparous thrombocytic dystrophy; Giant platelet disease; PLATELET GLYCOPROTEIN Ib DEFICIENCY. Identifiers: Orphanet 274, MedGen C0005129, MeSH D001606, MONDO:0009276, OMIM 231200.
Thrombocytopenia. Identifiers: MedGen C0040034, MeSH D013921, MONDO:0002049, HP:0001873.

Submissions (3):

ClinGen Platelet Disorders Variant Curation Expert Panel, ClinGen
Classification: Likely pathogenic for Bernard Soulier syndrome. Last evaluated: 2026-06-04. Review status: reviewed by expert panel. Criteria: ClinGen Platelet ACMG Specifications GP1BB V1.0.0. Collection method: curation. Allele origin: germline. Inheritance: Autosomal recessive inheritance.
Comment: The c.143C>A (p.Ser48Ter) variant in GP1BB is a nonsense variant that is predicted to escape nonsense mediated decay and remove >10% of the protein (PVS1_Strong). At least one patient (Patient II:1 in PMID: 18825380) with this variant had aggregation absent for ristocetin and present for all other agonists as well as less than 10% expression of GPIba and GP9 measured by flow cytometry, which is highly specific for Bernard-Soulier syndrome. Additionally, the patient had excessive mucocutaneous bleeding and macrothrombocytopenia which are consistent with Bernard-Soulier syndrome (PP4). This variant has been detected in at least two unrelated probands with Bernard-Soulier syndrome (PMID: 19484238). Both of these probands were homozygous for the variant (PM3). This variant is absent from gnomAD v4.1.0 (PM2_Supporting). In summary, this variant meets the criteria to be classified as Likely Pathogenic for autosomal recessive Bernard-Soulier syndrome based on the ACMG/AMP criteria applied, as specified by the ClinGen PD VCEP: PVS1_Strong, PP4, PM3 and PM2_Supporting (VCEP specifications version 1).

Revvity Omics, Revvity
Classification: Pathogenic for Bernard Soulier syndrome. Last evaluated: 2024-10-21. Review status: criteria provided, single submitter. Criteria: ACMG Guidelines, 2015. Collection method: clinical testing. Allele origin: germline. Not counted in ClinVar's aggregate classification.

NIHR Bioresource Rare Diseases, University of Cambridge
Classification: Pathogenic for Thrombocytopenia. Last evaluated: 2019-02-01. Review status: criteria provided, single submitter. Criteria: ACMG Guidelines, 2015. Collection method: research. Allele origin: unknown. Affected: yes. Observed: 1 heterozygote. Study: ThromboGenomics. Not counted in ClinVar's aggregate classification.

Literature cited by the submitters: PubMed 31064749 (cited by NIHR Bioresource Rare Diseases, University of Cambridge).

NM_000407.5(GP1BB):c.143C>A (p.Ser48Ter)

Genes: GP1BB (glycoprotein Ib platelet subunit beta; plus strand), SEPT5-GP1BB (SEPT5-GP1BB readthrough; plus strand). Cytogenetic location: 22q11.21.
Variant type: single nucleotide variant.
Coding change: c.143C>A on transcript NM_000407.5 (MANE Select); coding-DNA position 143, C replaced by A.
Protein change: p.Ser48Ter; replaces serine 48 with a stop codon.
Molecular consequence: nonsense. On other transcripts: non-coding transcript variant (2).
Genome position (GRCh38, 1-based): chr22:19,723,986, C>A. VCF-style: chr22-19723986-C-A. GRCh37 (hg19) VCF-style: chr22-19711509-C-A.
Other names: short protein forms S48*.
Identifiers: ClinVar variation 627237 (VCV000627237.4), dbSNP rs536874549, ClinGen allele CA322079870.